The following is an entry in ClinVar:

ClinVar aggregate classification (germline): Uncertain significance. Review status: criteria provided, multiple submitters, no conflicts (2 of 4 stars). 3 submissions from 3 submitters: Uncertain significance (3). Last evaluated 2025-10-03.

Conditions:
Long QT syndrome (LQTS). Identifiers: MedGen C0023976, MeSH D008133, MONDO:0002442. Disease mechanism: loss of function. Inheritance: Various modes of inheritance.
Cardiovascular phenotype. Identifiers: MedGen CN230736.
Cardiac arrhythmia, ankyrin-B-related. Also called: ANKYRIN-B SYNDROME. Identifiers: Orphanet 101016, Orphanet 768, MedGen C1970119, MONDO:0010958, OMIM 600919.

Allele frequency attached by ClinVar (database versions not stated): gnomAD 0.00001; gnomAD exomes 0.00001 and 0.00002; ExAC 0.00002; TOPMed 0.00002; ESP Exome Variant Server 0.00008.
gnomAD v4.1: 37 of 1,613,778 alleles (0.0023%); highest among the groups gnomAD compares: African/African-American, 0.004%; no homozygotes.

Submissions (3):

Labcorp Genetics (formerly Invitae), Labcorp
Classification: Uncertain significance for Long QT syndrome. Last evaluated: 2025-10-03. Review status: criteria provided, single submitter. Criteria: Invitae Variant Classification Sherloc (09022015). Collection method: clinical testing. Allele origin: germline.
Comment: This sequence change replaces arginine, which is basic and polar, with cysteine, which is neutral and slightly polar, at codon 2274 of the ANK2 protein (p.Arg2274Cys). This variant is present in population databases (rs140258681, gnomAD 0.009%). This variant has not been reported in the literature in individuals affected with ANK2-related conditions. ClinVar contains an entry for this variant (Variation ID: 1465353). An algorithm developed to predict the effect of missense changes on protein structure and function (PolyPhen-2) suggests that this variant is likely to be tolerated. In summary, the available evidence is currently insufficient to determine the role of this variant in disease. Therefore, it has been classified as a Variant of Uncertain Significance.

Ambry Genetics
Classification: Uncertain significance for Cardiovascular phenotype. Last evaluated: 2024-02-02. Review status: criteria provided, single submitter. Criteria: Ambry Variant Classification Scheme 2023. Collection method: clinical testing. Allele origin: germline.

Fulgent Genetics
Classification: Uncertain significance for Cardiac arrhythmia, ankyrin-B-related. Last evaluated: 2021-07-12. Review status: criteria provided, single submitter. Criteria: ACMG Guidelines, 2015. Collection method: clinical testing. Allele origin: unknown.

NM_001148.6(ANK2):c.6820C>T (p.Arg2274Cys)

Genes: ANK2 (ankyrin 2; plus strand), LOC126807137 (CDK7 strongly-dependent group 2 enhancer GRCh37_chr4:114276560-114277759; plus strand). Cytogenetic location: 4q26.
Variant type: single nucleotide variant.
Coding change: c.6820C>T on transcript NM_001148.6 (MANE Select); coding-DNA position 6820, C replaced by T.
Protein change: p.Arg2274Cys; replaces arginine 2274 with cysteine.
Molecular consequence: missense variant. On other transcripts: intron variant (68).
Genome position (GRCh38, 1-based): chr4:113,355,438, C>T. VCF-style: chr4-113355438-C-T. GRCh37 (hg19) VCF-style: chr4-114276594-C-T.
Other names: c.6586C>T, p.Arg2196Cys (NM_001386142.1); c.3220C>T, p.Arg1074Cys (NM_001386166.1); c.6961C>T, p.Arg2321Cys (NM_001386174.1); c.6937C>T, p.Arg2313Cys (NM_001386175.1); c.4411+5189C>T (NM_001386186.2, NM_001386148.2); c.4213+5189C>T (NM_001354269.3); c.4291+5189C>T (NM_001386187.2); c.4252+5189C>T (NM_001386147.1); and 36 more; short protein forms R2274C, R2196C, R2313C, R2321C, R1074C.
Identifiers: ClinVar variation 1465353 (VCV001465353.11), dbSNP rs140258681, ClinGen allele CA3051477.